The following is an entry in ClinVar:

ClinVar aggregate classification (germline): Uncertain significance (1 of 4 stars; one submission).

Conditions:
Familial cancer of breast. Also called: BREAST CANCER, FAMILIAL; hereditary breast carcinoma; Hereditary breast cancer. Identifiers: Orphanet 227535, MedGen C0346153, MONDO:0016419, OMIM 114480. Disease mechanism: loss of function.

Submission:

Labcorp Genetics (formerly Invitae), Labcorp
Classification: Uncertain significance for Familial cancer of breast. Last evaluated: 2022-10-21. Review status: criteria provided, single submitter. Criteria: Invitae Variant Classification Sherloc (09022015). Collection method: clinical testing. Allele origin: germline.
Comment: In summary, the available evidence is currently insufficient to determine the role of this variant in disease. Therefore, it has been classified as a Variant of Uncertain Significance. Experimental studies have shown that this missense change does not substantially affect PALB2 function (PMID: 29387807, 33964450). Advanced modeling of protein sequence and biophysical properties (such as structural, functional, and spatial information, amino acid conservation, physicochemical variation, residue mobility, and thermodynamic stability) performed at Invitae indicates that this missense variant is expected to disrupt PALB2 protein function. This variant has not been reported in the literature in individuals affected with PALB2-related conditions. This variant is not present in population databases (gnomAD no frequency). This sequence change replaces phenylalanine, which is neutral and non-polar, with leucine, which is neutral and non-polar, at codon 404 of the PALB2 protein (p.Phe404Leu).

Literature cited by the submitters: PubMed 29387807; PubMed 33964450.

NM_024675.4(PALB2):c.1212T>A (p.Phe404Leu)

Gene: PALB2 (partner and localizer of BRCA2; minus strand). Cytogenetic location: 16p12.2.
Variant type: single nucleotide variant.
Coding change: c.1212T>A on transcript NM_024675.4 (MANE Select); coding-DNA position 1212, T replaced by A.
Protein change: p.Phe404Leu; replaces phenylalanine 404 with leucine.
Molecular consequence: missense variant.
Genome position (GRCh38, 1-based): chr16:23,635,334, A>T on the plus strand (T>A on the coding strand, the complement: PALB2 is on the minus strand). VCF-style: chr16-23635334-A-T. GRCh37 (hg19) VCF-style: chr16-23646655-A-T.
Other names: c.1152T>A, p.Phe384Leu (NM_001407296.1); c.1212T>A, p.Phe404Leu (NM_001407297.1, NM_001407298.1, NM_001407299.1 and 3 more transcripts); c.327T>A, p.Phe109Leu (NM_001407311.1, NM_001407304.1, NM_001407305.1 and 5 more transcripts); short protein forms F384L, F404L, F109L.
Identifiers: ClinVar variation 2036430 (VCV002036430.4), dbSNP rs148921082, ClinGen allele CA395133164.
Genomic context (GRCh38, chr16:23,635,334, plus strand): 5'-GGCTACTTTCCTCTGGCAATTGGACATGCTTCGTGTTGTTCTAACATAATATTCTGCAGG[A>T]AACAGAAGGCCTTCAGGCACTGTGCAAGAATGTTTTTCTGCAGAAAGAGGAGAGGTTGCT-3'
Protein context (NP_078951.2, residues 394-414): HSCTVPEGLL[Phe404Leu]PAEYYVRTTR